The following is an entry in ClinVar:

NM_022841.7(RFX7):c.3256T>C (p.Tyr1086His)

Gene: RFX7 (regulatory factor X7; minus strand). Cytogenetic location: 15q21.3.
Variant type: single nucleotide variant.
Coding change: c.3256T>C on transcript NM_022841.7 (MANE Select); coding-DNA position 3256, T replaced by C.
Protein change: p.Tyr1086His; replaces tyrosine 1086 with histidine.
Molecular consequence: missense variant.
Genome position (GRCh38, 1-based): chr15:56,094,472, A>G on the plus strand (T>C on the coding strand, the complement: RFX7 is on the minus strand). VCF-style: chr15-56094472-A-G. GRCh37 (hg19) VCF-style: chr15-56386670-A-G.
Other names: c.2965T>C, p.Tyr989His (NM_001368073.2, NM_001368074.1, NM_001370554.1); c.3256T>C, p.Tyr1086His (NM_001370561.1); short protein forms Y1086H, Y989H.
Identifiers: ClinVar variation 4885855 (VCV004885855.2).

ClinVar aggregate classification (germline): Uncertain significance (1 of 4 stars; one submission).

gnomAD v4.1: 1 of 1,613,960 alleles (0.000062%); highest among the groups gnomAD compares: Non-Finnish European, 0.000085%; no homozygotes.

Submission:

Dasa
Classification: Uncertain significance. Last evaluated: 2025-10-31. Review status: criteria provided, single submitter. Criteria: DASA Assertion Criteria. Collection method: clinical testing. Allele origin: germline.
Comment: NM_022841.7(RFX7):c.3256T>C (p.Tyr1086His) is a missense variant that results in the substitution of tyrosine with histidine. This variant is rare in population databases. The currently available literature and clinical evidence are not sufficient to establish a definitive association between this variant and the reported condition. Therefore, this variant is classified as a variant of uncertain significance.